The following is an entry in ClinVar:

NM_000038.6(APC):c.645+1270T>C

Gene: APC (APC regulator of WNT signaling pathway; plus strand). Cytogenetic location: 5q22.2.
Variant type: single nucleotide variant.
Coding change: c.645+1270T>C on transcript NM_000038.6 (MANE Select); 1270 bases into the intron after coding-DNA position 645, T replaced by C.
Molecular consequence: intron variant.
Genome position (GRCh38, 1-based): chr5:112,782,173, T>C. VCF-style: chr5-112782173-T-C. GRCh37 (hg19) VCF-style: chr5-112117870-T-C.
Other names: c.645+1270T>C (NM_001354895.2, NM_001127510.3, NM_001354896.2 and 2 more transcripts); c.675+1270T>C (NM_001354897.2, NM_001354902.2, NM_001127511.3); c.570+1270T>C (NM_001354898.2, NM_001354904.2); c.-391+1270T>C (NM_001354906.2); c.468+1270T>C (NM_001354900.2, NM_001354901.2, NM_001354905.2).
Identifiers: ClinVar variation 82437 (VCV000082437.2), dbSNP rs77978674, ClinGen allele CA011209.

ClinVar aggregate classification (germline): other (0 of 4 stars; one submission).

Conditions:
Familial colorectal cancer. Identifiers: MedGen CN280943, MONDO:0023113. Disease mechanism: loss of function.

Submission:

Systems Biology Platform Zhejiang California International NanoSystems Institute
Classification: other for Familial colorectal cancer. Review status: no assertion criteria provided. Collection method: not provided. Allele origin: unknown.
ClinVar note: Converted during submission from cancer to other.